The following is an entry in ClinVar:

ClinVar aggregate classification (germline): Pathogenic (1 of 4 stars; one submission).

Conditions:
Familial thoracic aortic aneurysm and aortic dissection (TAAD). Also called: Thoracic aortic aneurysms and dissections. Identifiers: Orphanet 91387, MedGen C4707243, MONDO:0019625.

Submission:

Labcorp Genetics (formerly Invitae), Labcorp
Classification: Pathogenic for Familial thoracic aortic aneurysm and aortic dissection. Last evaluated: 2020-07-13. Review status: criteria provided, single submitter. Criteria: Invitae Variant Classification Sherloc (09022015). Collection method: clinical testing. Allele origin: germline.
Comment: This sequence change replaces lysine with asparagine at codon 335 of the TGFBR1 protein (p.Lys335Asn). The lysine residue is highly conserved and there is a moderate physicochemical difference between lysine and asparagine. This variant is not present in population databases (ExAC no frequency). This variant has been observed in individual(s) with clinical features of Loeys-Dietz syndrome (PMID: 27879313, Invitae). In at least one individual the variant was observed to be de novo. Algorithms developed to predict the effect of missense changes on protein structure and function (SIFT, PolyPhen-2, Align-GVGD) all suggest that this variant is likely to be disruptive, but these predictions have not been confirmed by published functional studies and their clinical significance is uncertain. This variant disrupts the p.Lys335 amino acid residue in TGFBR1. Other variant(s) that disrupt this residue have been observed in individuals with TGFBR1-related conditions (PMID: 18781618), which suggests that this may be a clinically significant amino acid residue. For these reasons, this variant has been classified as Pathogenic.

Literature cited by the submitters: PubMed 27879313; PubMed 18781618.

NM_004612.4(TGFBR1):c.1005A>T (p.Lys335Asn)

Gene: TGFBR1 (transforming growth factor beta receptor 1; plus strand). Cytogenetic location: 9q22.33.
Variant type: single nucleotide variant.
Coding change: c.1005A>T on transcript NM_004612.4 (MANE Select); coding-DNA position 1005, A replaced by T.
Protein change: p.Lys335Asn; replaces lysine 335 with asparagine.
Molecular consequence: missense variant.
Genome position (GRCh38, 1-based): chr9:99,144,763, A>T. VCF-style: chr9-99144763-A-T. GRCh37 (hg19) VCF-style: chr9-101907045-A-T.
Other names: c.774A>T, p.Lys258Asn (NM_001130916.3); c.1017A>T, p.Lys339Asn (NM_001306210.2); short protein forms K258N, K335N, K339N.
Identifiers: ClinVar variation 1068551 (VCV001068551.9), dbSNP rs2118804176, ClinGen allele CA374231303.